The following is an entry in ClinVar:

NM_182961.4(SYNE1):c.7713-4T>C

Gene: SYNE1 (spectrin repeat containing nuclear envelope protein 1; minus strand). Cytogenetic location: 6q25.2.
Variant type: single nucleotide variant.
Coding change: c.7713-4T>C on transcript NM_182961.4 (MANE Select); 4 bases into the intron before coding-DNA position 7713, T replaced by C.
Molecular consequence: intron variant.
Genome position (GRCh38, 1-based): chr6:152,391,572, A>G on the plus strand (T>C on the coding strand, the complement: SYNE1 is on the minus strand). VCF-style: chr6-152391572-A-G. GRCh37 (hg19) VCF-style: chr6-152712707-A-G.
Other names: c.7734-4T>C (NM_033071.5).
Identifiers: ClinVar variation 355905 (VCV000355905.21), dbSNP rs571742202, ClinGen allele CA4057696.

ClinVar aggregate classification (germline): Benign/Likely benign. Review status: criteria provided, multiple submitters, no conflicts (2 of 4 stars). 5 submissions from 4 submitters: Benign (2); Likely benign (2). 1 of the submissions does not count toward it. Last evaluated 2023-08-11.

Conditions:
SYNE1-related disorder. Also called: SYNE1-related disorders; SYNE1-related disease; SYNE1-related condition.
Autosomal recessive ataxia, Beauce type. Also called: SYNE1 Deficiency; SYNE1-Related Autosomal Recessive Cerebellar Ataxia; Spinocerebellar ataxia, autosomal recessive 8; ATAXIA, RECESSIVE, OF BEAUCE. Identifiers: Orphanet 88644, MedGen C1853116, MONDO:0012549, OMIM 610743.
Emery-Dreifuss muscular dystrophy 4, autosomal dominant (EDMD4). Also called: EMERY-DREIFUSS MUSCULAR DYSTROPHY 4 WITH VARIABLE FEATURES. Identifiers: Orphanet 261, MedGen C2751807, MONDO:0013071, OMIM 612998.

Allele frequency attached by ClinVar (database versions not stated): TOPMed 0.00002; gnomAD 0.00017; 1000 Genomes Project 30x 0.00078; 1000 Genomes Project 0.00080.
gnomAD v4.1: 81 of 1,462,620 alleles (0.0055%); highest among the groups gnomAD compares: East Asian, 0.21%; 1 homozygote.

Submissions (5):

Labcorp Genetics (formerly Invitae), Labcorp
Classification: Benign for Emery-Dreifuss muscular dystrophy 4, autosomal dominant; Autosomal recessive ataxia, Beauce type. Last evaluated: 2023-08-11. Review status: criteria provided, single submitter. Criteria: Invitae Variant Classification Sherloc (09022015). Collection method: clinical testing. Allele origin: germline.

Illumina Laboratory Services, Illumina
Classification: Benign for Emery-Dreifuss muscular dystrophy 4, autosomal dominant. Last evaluated: 2018-01-12. Review status: criteria provided, single submitter. Criteria: ICSL Variant Classification Criteria 13 December 2019. Collection method: clinical testing. Allele origin: germline.
Comment: This variant was observed in the ICSL laboratory as part of a predisposition screen in an ostensibly healthy population. It had not been previously curated by ICSL or reported in the Human Gene Mutation Database (HGMD: prior to June 1st, 2018), and was therefore a candidate for classification through an automated scoring system. Utilizing variant allele frequency, disease prevalence and penetrance estimates, and inheritance mode, an automated score was calculated to assess if this variant is too frequent to cause the disease. Based on the score and internal cut-off values, a variant classified as benign is not then subjected to further curation. The score for this variant resulted in a classification of benign for this disease.

Illumina Laboratory Services, Illumina
Classification: Likely benign for Autosomal recessive ataxia, Beauce type. Last evaluated: 2018-01-12. Review status: criteria provided, single submitter. Criteria: ICSL Variant Classification Criteria 13 December 2019. Collection method: clinical testing. Allele origin: germline.
Comment: This variant was observed in the ICSL laboratory as part of a predisposition screen in an ostensibly healthy population. It had not been previously curated by ICSL or reported in the Human Gene Mutation Database (HGMD: prior to June 1st, 2018), and was therefore a candidate for classification through an automated scoring system. Utilizing variant allele frequency, disease prevalence and penetrance estimates, and inheritance mode, an automated score was calculated to assess if this variant is too frequent to cause the disease. Based on the score and internal cut-off values, a variant classified as likely benign is not then subjected to further curation. The score for this variant resulted in a classification of likely benign for this disease.

Eurofins Ntd Llc (ga)
Classification: Likely benign. Last evaluated: 2017-01-31. Review status: criteria provided, single submitter. Criteria: EGL Classification Definitions 2015. Collection method: clinical testing. Allele origin: germline. Observed: 1 variant allele, 1 heterozygote.

PreventionGenetics, part of Exact Sciences
Classification: Likely benign for SYNE1-related condition. Last evaluated: 2019-05-02. Review status: no assertion criteria provided. Collection method: clinical testing. Allele origin: germline. Not counted in ClinVar's aggregate classification.
Comment: This variant is classified as likely benign based on ACMG/AMP sequence variant interpretation guidelines (Richards et al. 2015 PMID: 25741868, with internal and published modifications).